The following is an entry in ClinVar:

NM_178857.6(RP1L1):c.435del (p.Lys146fs)

Gene: RP1L1 (RP1 like 1). Cytogenetic location: 8p23.1.
Variant type: Deletion.
Coding change: c.435del on transcript NM_178857.6 (MANE Select); coding-DNA position 435, one base deleted.
Protein change: p.Lys146fs; shifts the reading frame from lysine 146.
Molecular consequence: frameshift variant.
Genome position: GRCh38 VCF-style: chr8-10622766-TC-T. GRCh37 (hg19) VCF-style: chr8-10480276-TC-T.
Other names: c.435delG (NM_178857.5); c.435del (NM_178857.5); short protein forms K146fs.
Identifiers: ClinVar variation 1361633 (VCV001361633.9), dbSNP rs747832575, ClinGen allele CA4625700.
Genomic context (GRCh38, chr8:10,622,766, plus strand): 5'-GCTGGAGGCGAGGGTCCATGTTCTTAATCAGCAGTATCCTCCGGGGGGTTTTAAGACTCT[TC>T]CGGGAGGAGGAGGTGCCTGGGGCTTCACGCTGGCCTTCGACATCCCGCAACTGCTGAGCA-3'

ClinVar aggregate classification (germline): Conflicting classifications of pathogenicity. Review status: criteria provided, conflicting classifications (1 of 4 stars). 3 submissions from 3 submitters: Likely pathogenic (2); Uncertain significance (1). Last evaluated 2026-08-06.

Conditions:
RP1L1-related disorder. Also called: RP1L1-related condition.

Submissions (3):

GeneDx
Classification: Likely pathogenic. Last evaluated: 2026-08-06. Review status: criteria provided, single submitter. Criteria: GeneDx Variant Classification Process June 2021. Collection method: clinical testing. Allele origin: germline.
Comment: Frameshift variant predicted to result in protein truncation or nonsense mediated decay in a gene for which loss of function is a known mechanism of disease; Has not been previously published as pathogenic or benign to our knowledge

Labcorp Genetics (formerly Invitae), Labcorp
Classification: Uncertain significance. Last evaluated: 2026-01-29. Review status: criteria provided, single submitter. Criteria: Invitae Variant Classification Sherloc (09022015). Collection method: clinical testing. Allele origin: germline.
Comment: This sequence change creates a premature translational stop signal (p.Lys146Argfs*11) in the RP1L1 gene. It is expected to result in an absent or disrupted protein product. However, the current clinical and genetic evidence is not sufficient to establish whether loss-of-function variants in RP1L1 cause disease. This variant is present in population databases (rs747832575, gnomAD 0.004%). This variant has not been reported in the literature in individuals affected with RP1L1-related conditions. ClinVar contains an entry for this variant (Variation ID: 1361633). In summary, the available evidence is currently insufficient to determine the role of this variant in disease. Therefore, it has been classified as a Variant of Uncertain Significance.

PreventionGenetics, part of Exact Sciences
Classification: Likely pathogenic for RP1L1-related condition. Last evaluated: 2025-06-30. Review status: criteria provided, single submitter. Criteria: ACMG Guidelines, 2015. Collection method: clinical testing. Allele origin: germline.
Comment: The RP1L1 c.435delG variant is predicted to result in a frameshift and premature protein termination (p.Lys146Argfs*11). To our knowledge, this variant has not been reported in the literature. This variant is reported in 0.0042% of alleles in individuals of African descent in gnomAD. Frameshift variants in RP1L1 are expected to be pathogenic for autosomal recessive disease. This variant is interpreted as likely pathogenic for autosomal recessive disease.